The following is an entry in ClinVar:

NM_052945.4(TNFRSF13C):c.403C>T (p.Pro135Ser)

Gene: TNFRSF13C (TNF receptor superfamily member 13C; minus strand). Cytogenetic location: 22q13.2.
Variant type: single nucleotide variant.
Coding change: c.403C>T on transcript NM_052945.4 (MANE Select); coding-DNA position 403, C replaced by T.
Protein change: p.Pro135Ser; replaces proline 135 with serine.
Molecular consequence: missense variant.
Genome position (GRCh38, 1-based): chr22:41,925,519, G>A on the plus strand (C>T on the coding strand, the complement: TNFRSF13C is on the minus strand). VCF-style: chr22-41925519-G-A. GRCh37 (hg19) VCF-style: chr22-42321523-G-A.
Other names: short protein forms P135S.
Identifiers: ClinVar variation 1443870 (VCV001443870.6), dbSNP rs1385697615, ClinGen allele CA411762832.
Genomic context (GRCh38, chr22:41,925,519, plus strand): 5'-TGGTTCCTGGGTCTTCCCCAGGAGGAGGCCAGGCAGGAGCTGTGGCATCAGAGATTCCCG[G>A]AGACAGAATGATGACCTTGTCCAGGGGCTCTGGGGCTGCAGGCAGAGGGGGTAGAGGCTC-3'
Protein context (NP_443177.1, residues 125-145): EPLDKVIILS[Pro135Ser]GISDATAPAW

ClinVar aggregate classification (germline): Uncertain significance (1 of 4 stars; one submission).

Conditions:
Immunodeficiency, common variable, 4. Also called: ANTIBODY DEFICIENCY DUE TO BAFFR DEFECT. Identifiers: Orphanet 1572, Orphanet 696925, MedGen C3150739, MONDO:0013284, OMIM 613494.

Submission:

Labcorp Genetics (formerly Invitae), Labcorp
Classification: Uncertain significance for Immunodeficiency, common variable, 4. Last evaluated: 2023-08-04. Review status: criteria provided, single submitter. Criteria: Invitae Variant Classification Sherloc (09022015). Collection method: clinical testing. Allele origin: germline.
Comment: This sequence change replaces proline, which is neutral and non-polar, with serine, which is neutral and polar, at codon 135 of the TNFRSF13C protein (p.Pro135Ser). This variant is not present in population databases (gnomAD no frequency). This variant has not been reported in the literature in individuals affected with TNFRSF13C-related conditions. ClinVar contains an entry for this variant (Variation ID: 1443870). Algorithms developed to predict the effect of missense changes on protein structure and function output the following: SIFT: "Not Available"; PolyPhen-2: "Benign"; Align-GVGD: "Not Available". The serine amino acid residue is found in multiple mammalian species, which suggests that this missense change does not adversely affect protein function. In summary, the available evidence is currently insufficient to determine the role of this variant in disease. Therefore, it has been classified as a Variant of Uncertain Significance.